The following is an entry in ClinVar:

NM_014319.5(LEMD3):c.1705C>T (p.Pro569Ser)

Gene: LEMD3 (LEM domain containing 3; plus strand). Cytogenetic location: 12q14.3.
Variant type: single nucleotide variant.
Coding change: c.1705C>T on transcript NM_014319.5 (MANE Select); coding-DNA position 1705, C replaced by T.
Protein change: p.Pro569Ser; replaces proline 569 with serine.
Molecular consequence: missense variant.
Genome position (GRCh38, 1-based): chr12:65,238,511, C>T. VCF-style: chr12-65238511-C-T. GRCh37 (hg19) VCF-style: chr12-65632291-C-T.
Other names: c.1702C>T, p.Pro568Ser (NM_001167614.2); short protein forms P569S, P568S.
Identifiers: ClinVar variation 310238 (VCV000310238.12), dbSNP rs374655981, ClinGen allele CA6671020.
Genomic context (GRCh38, chr12:65,238,511, plus strand): 5'-AGAGTCGAATGTAGATTAAGAATAGTTATTTTTCTCTATTTTTCTTGTTAGGATTTAGGT[C>T]CTGAATATGAAGGTATATTTAACACTTCATTGCAGTGGATCTTAGAAAATGGAAAAGATG-3'
Protein context (NP_055134.2, residues 559-579): EAAAYLKDLG[Pro569Ser]EYEGIFNTSL

ClinVar aggregate classification (germline): Uncertain significance. Review status: criteria provided, multiple submitters, no conflicts (2 of 4 stars). 2 submissions from 2 submitters: Uncertain significance (2). Last evaluated 2025-12-11.

Conditions:
Dermatofibrosis lenticularis disseminata (BOS). Also called: DERMATOFIBROSIS LENTICULARIS DISSEMINATA WITH OSTEOPOIKILOSIS; DERMATOOSTEOPOIKILOSIS; OSTEOPATHIA CONDENSANS DISSEMINATA. Identifiers: Orphanet 1306, MedGen C0265514, MONDO:0008157, OMIM 166700.

Allele frequency attached by ClinVar (database versions not stated): gnomAD 0.00001; TOPMed 0.00002; gnomAD exomes 0.00005; ExAC 0.00008; ESP Exome Variant Server 0.00008.

Submissions (2):

Labcorp Genetics (formerly Invitae), Labcorp
Classification: Uncertain significance. Last evaluated: 2025-12-11. Review status: criteria provided, single submitter. Criteria: Invitae Variant Classification Sherloc (09022015). Collection method: clinical testing. Allele origin: germline.
Comment: This sequence change replaces proline, which is neutral and non-polar, with serine, which is neutral and polar, at codon 569 of the LEMD3 protein (p.Pro569Ser). This variant is present in population databases (rs374655981, gnomAD 0.01%). This variant has not been reported in the literature in individuals affected with LEMD3-related conditions. ClinVar contains an entry for this variant (Variation ID: 310238). Invitae Evidence Modeling of protein sequence and biophysical properties (such as structural, functional, and spatial information, amino acid conservation, physicochemical variation, residue mobility, and thermodynamic stability) indicates that this missense variant is not expected to disrupt LEMD3 protein function with a negative predictive value of 80%. In summary, the available evidence is currently insufficient to determine the role of this variant in disease. Therefore, it has been classified as a Variant of Uncertain Significance.

Illumina Laboratory Services, Illumina
Classification: Uncertain significance for Dermatofibrosis lenticularis disseminata. Last evaluated: 2018-01-13. Review status: criteria provided, single submitter. Criteria: ICSL Variant Classification Criteria 13 December 2019. Collection method: clinical testing. Allele origin: germline.